The following is an entry in ClinVar:

NM_003051.4(SLC16A1):c.718C>G (p.Gln240Glu)

Gene: SLC16A1 (solute carrier family 16 member 1; minus strand). Cytogenetic location: 1p13.2.
Variant type: single nucleotide variant.
Coding change: c.718C>G on transcript NM_003051.4 (MANE Select); coding-DNA position 718, C replaced by G.
Protein change: p.Gln240Glu; replaces glutamine 240 with glutamic acid.
Molecular consequence: missense variant.
Genome position (GRCh38, 1-based): chr1:112,917,688, G>C on the plus strand (C>G on the coding strand, the complement: SLC16A1 is on the minus strand). VCF-style: chr1-112917688-G-C. GRCh37 (hg19) VCF-style: chr1-113460310-G-C.
Other names: c.718C>G (NM_003051.3); c.718C>G, p.Gln240Glu (NM_001166496.2); short protein forms Q240E.
Identifiers: ClinVar variation 2991814 (VCV002991814.4), dbSNP rs570476633, ClinGen allele CA1011378.
Genomic context (GRCh38, chr1:112,917,688, plus strand): 5'-GGGTGAATAGGGTTAAGTCCAGGAACTGATTAATTGTTTGGAAGACTGATCGTTTCTCTT[G>C]TTTAGGGTGTCTTCCAATAAGATCTGTATTTGCATCATGCAGATCTTTTTTCACACCAGA-3'
Protein context (NP_003042.3, residues 230-250): NTDLIGRHPK[Gln240Glu]EKRSVFQTIN

ClinVar aggregate classification (germline): Conflicting classifications of pathogenicity. Review status: criteria provided, conflicting classifications (1 of 4 stars). 2 submissions from 2 submitters: Uncertain significance (1); Likely benign (1). Last evaluated 2025-11-04.

Conditions:
Inborn genetic diseases. Identifiers: MedGen C0950123, MeSH D030342.

Allele frequency attached by ClinVar (database versions not stated): 1000 Genomes Project 0.00020; TOPMed below 0.00001; 1000 Genomes Project 30x 0.00016; gnomAD 0.00001; ExAC 0.00009.
gnomAD v4.1: 60 of 1,614,228 alleles (0.0037%); highest among the groups gnomAD compares: South Asian, 0.063%; 1 homozygote.

Submissions (2):

Labcorp Genetics (formerly Invitae), Labcorp
Classification: Uncertain significance. Last evaluated: 2025-11-04. Review status: criteria provided, single submitter. Criteria: Invitae Variant Classification Sherloc (09022015). Collection method: clinical testing. Allele origin: germline.
Comment: This sequence change replaces glutamine, which is neutral and polar, with glutamic acid, which is acidic and polar, at codon 240 of the SLC16A1 protein (p.Gln240Glu). This variant is present in population databases (rs570476633, gnomAD 0.06%). This variant has not been reported in the literature in individuals affected with SLC16A1-related conditions. ClinVar contains an entry for this variant (Variation ID: 2991814). An algorithm developed to predict the effect of missense changes on protein structure and function outputs the following: PolyPhen-2: "Benign". The glutamic acid amino acid residue is found in multiple mammalian species, which suggests that this missense change does not adversely affect protein function. In summary, the available evidence is currently insufficient to determine the role of this variant in disease. Therefore, it has been classified as a Variant of Uncertain Significance.

Ambry Genetics
Classification: Likely benign for Inborn genetic diseases. Last evaluated: 2024-07-22. Review status: criteria provided, single submitter. Criteria: Ambry Variant Classification Scheme 2023. Collection method: clinical testing. Allele origin: germline.